The following is an entry in ClinVar:

ClinVar aggregate classification (germline): Uncertain significance (0 of 4 stars; one submission).

Conditions:
APC2-related disorder. Also called: APC2-related condition; APC2-Related Disorders.

Allele frequency attached by ClinVar (database versions not stated): gnomAD 0.00001; 1000 Genomes Project 30x 0.00016; ExAC 0.00020.
gnomAD v4.1: 42 of 1,520,594 alleles (0.0028%); highest among the groups gnomAD compares: South Asian, 0.048%; no homozygotes.

Submission:

PreventionGenetics, part of Exact Sciences
Classification: Uncertain significance for APC2-related condition. Last evaluated: 2024-01-05. Review status: no assertion criteria provided. Collection method: clinical testing. Allele origin: germline.
Comment: The APC2 c.6532C>T variant is predicted to result in the amino acid substitution p.Pro2178Ser. To our knowledge, this variant has not been reported in the literature. This variant is reported in 0.037% of alleles in individuals of South Asian descent in gnomAD. At this time, the clinical significance of this variant is uncertain due to the absence of conclusive functional and genetic evidence.

NM_005883.3(APC2):c.6532C>T (p.Pro2178Ser)

Gene: APC2 (APC regulator of Wnt signaling pathway 2; plus strand). Cytogenetic location: 19p13.3.
Variant type: single nucleotide variant.
Coding change: c.6532C>T on transcript NM_005883.3 (MANE Select); coding-DNA position 6532, C replaced by T.
Protein change: p.Pro2178Ser; replaces proline 2178 with serine.
Molecular consequence: missense variant.
Genome position (GRCh38, 1-based): chr19:1,469,833, C>T. VCF-style: chr19-1469833-C-T. GRCh37 (hg19) VCF-style: chr19-1469832-C-T.
Other names: c.6529C>T, p.Pro2177Ser (NM_001351273.1); short protein forms P2177S, P2178S.
Identifiers: ClinVar variation 2631791 (VCV002631791.3), dbSNP rs762056847, ClinGen allele CA9046156.